The following is an entry in ClinVar:

ClinVar aggregate classification (germline): Uncertain significance (1 of 4 stars; one submission).

Submission:

GeneDx
Classification: Uncertain significance. Last evaluated: 2026-02-11. Review status: criteria provided, single submitter. Criteria: GeneDx Variant Classification Process June 2021. Collection method: clinical testing. Allele origin: germline.
Comment: Not observed at significant frequency in large population cohorts (gnomAD); In silico analysis supports that this missense variant has a deleterious effect on protein structure/function; Has not been previously published as pathogenic or benign to our knowledge

NM_015030.2(FRYL):c.4645C>G (p.Pro1549Ala)

Gene: FRYL (FRY like transcription coactivator; minus strand). Cytogenetic location: 4p11.
Variant type: single nucleotide variant.
Coding change: c.4645C>G on transcript NM_015030.2 (MANE Select); coding-DNA position 4645, C replaced by G.
Protein change: p.Pro1549Ala; replaces proline 1549 with alanine.
Molecular consequence: missense variant.
Genome position (GRCh38, 1-based): chr4:48,549,612, G>C on the plus strand (C>G on the coding strand, the complement: FRYL is on the minus strand). VCF-style: chr4-48549612-G-C. GRCh37 (hg19) VCF-style: chr4-48551629-G-C.
Other names: short protein forms P1549A.
Identifiers: ClinVar variation 5009481 (VCV005009481.1).